The following is an entry in ClinVar:

NM_002087.4(GRN):c.835G>T (p.Val279Leu)

Gene: GRN (granulin precursor; plus strand). Cytogenetic location: 17q21.31.
Variant type: single nucleotide variant.
Coding change: c.835G>T on transcript NM_002087.4 (MANE Select); coding-DNA position 835, G replaced by T.
Protein change: p.Val279Leu; replaces valine 279 with leucine.
Molecular consequence: missense variant.
Genome position (GRCh38, 1-based): chr17:44,351,163, G>T. VCF-style: chr17-44351163-G-T. GRCh37 (hg19) VCF-style: chr17-42428531-G-T.
Other names: short protein forms V279L.
Identifiers: ClinVar variation 3760332 (VCV003760332.2).
Genomic context (GRCh38, chr17:44,351,163, plus strand): 5'-AAGTGCCTCTCCAAGGAGAACGCTACCACGGACCTCCTCACTAAGCTGCCTGCGCACACA[G>T]GTACCAGAGGCAGGGTGCAGATACAGGGGTGGGGCCCCCTTTCCTCCCTTTTAGGCCTGG-3'
Protein context (NP_002078.1, residues 269-289): DLLTKLPAHT[Val279Leu]GDVKCDMEVS

ClinVar aggregate classification (germline): Uncertain significance (1 of 4 stars; one submission).

Conditions:
Neuronal ceroid lipofuscinosis 11. Also called: GRN-Related Neuronal Ceroid-Lipofuscinosis. Identifiers: Orphanet 314629, Orphanet 79262, MedGen C3539123, MONDO:0013866, OMIM 614706.
GRN-related frontotemporal lobar degeneration with Tdp43 inclusions (FTD2). Also called: DEMENTIA, HEREDITARY DYSPHASIC DISINHIBITION; FRONTOTEMPORAL LOBAR DEGENERATION WITH UBIQUITIN-POSITIVE INCLUSIONS; FTLD-TDP, GRN-RELATED; GRN Frontotemporal Dementia; FRONTOTEMPORAL DEMENTIA WITH TDP43 INCLUSIONS, GRN-RELATED. Identifiers: Orphanet 100070, Orphanet 282, MedGen C1843792, MONDO:0011842, OMIM 607485. Disease mechanism: loss of function.

gnomAD v4.1: 1 of 1,614,178 alleles (0.000062%); highest among the groups gnomAD compares: Non-Finnish European, 0.000085%; no homozygotes.

Submission:

Labcorp Genetics (formerly Invitae), Labcorp
Classification: Uncertain significance for Neuronal ceroid lipofuscinosis 11; GRN-related frontotemporal lobar degeneration with Tdp43 inclusions. Last evaluated: 2025-01-16. Review status: criteria provided, single submitter. Criteria: Invitae Variant Classification Sherloc (09022015). Collection method: clinical testing. Allele origin: germline.
Comment: This sequence change replaces valine, which is neutral and non-polar, with leucine, which is neutral and non-polar, at codon 279 of the GRN protein (p.Val279Leu). This variant also falls at the last nucleotide of exon 8, which is part of the consensus splice site for this exon. This variant is not present in population databases (gnomAD no frequency). This variant has not been reported in the literature in individuals affected with GRN-related conditions. An algorithm developed to predict the effect of missense changes on protein structure and function (PolyPhen-2) suggests that this variant is likely to be tolerated. Variants that disrupt the consensus splice site are a relatively common cause of aberrant splicing (PMID: 17576681, 9536098). Algorithms developed to predict the effect of sequence changes on RNA splicing suggest that this variant may disrupt the consensus splice site. In summary, the available evidence is currently insufficient to determine the role of this variant in disease. Therefore, it has been classified as a Variant of Uncertain Significance.

Literature cited by the submitters: PubMed 17576681; PubMed 9536098.